The following is an entry in ClinVar:

ClinVar aggregate classification (germline): Uncertain significance. Review status: criteria provided, multiple submitters, no conflicts (2 of 4 stars). 3 submissions from 3 submitters: Uncertain significance (3). Last evaluated 2024-10-16.

Conditions:
Inborn genetic diseases. Identifiers: MedGen C0950123, MeSH D030342.

Allele frequency attached by ClinVar (database versions not stated): gnomAD 0.00001; gnomAD exomes 0.00001 and 0.00002; ExAC 0.00002; TOPMed 0.00004.
gnomAD v4.1: 27 of 1,613,956 alleles (0.0017%); highest among the groups gnomAD compares: Admixed American, 0.0033%; no homozygotes.

Submissions (3):

Labcorp Genetics (formerly Invitae), Labcorp
Classification: Uncertain significance. Last evaluated: 2024-10-16. Review status: criteria provided, single submitter. Criteria: Invitae Variant Classification Sherloc (09022015). Collection method: clinical testing. Allele origin: germline.
Comment: This sequence change replaces valine, which is neutral and non-polar, with methionine, which is neutral and non-polar, at codon 2798 of the VCAN protein (p.Val2798Met). This variant is present in population databases (rs758186632, gnomAD 0.003%). This variant has not been reported in the literature in individuals affected with VCAN-related conditions. ClinVar contains an entry for this variant (Variation ID: 1500264). An algorithm developed to predict the effect of missense changes on protein structure and function outputs the following: PolyPhen-2: "Benign". The methionine amino acid residue is found in multiple mammalian species, which suggests that this missense change does not adversely affect protein function. In summary, the available evidence is currently insufficient to determine the role of this variant in disease. Therefore, it has been classified as a Variant of Uncertain Significance.

Ambry Genetics
Classification: Uncertain significance for Inborn genetic diseases. Last evaluated: 2024-05-30. Review status: criteria provided, single submitter. Criteria: Ambry Variant Classification Scheme 2023. Collection method: clinical testing. Allele origin: germline.

Blueprint Genetics
Classification: Uncertain significance. Last evaluated: 2021-09-18. Review status: criteria provided, single submitter. Criteria: ACMG Guidelines, 2015. Collection method: clinical testing. Allele origin: germline.

NM_004385.5(VCAN):c.8392G>A (p.Val2798Met)

Genes: VCAN (versican; plus strand), VCAN-AS1 (VCAN antisense RNA 1; minus strand). Cytogenetic location: 5q14.3.
Variant type: single nucleotide variant.
Coding change: c.8392G>A on transcript NM_004385.5 (MANE Select); coding-DNA position 8392, G replaced by A.
Protein change: p.Val2798Met; replaces valine 2798 with methionine.
Molecular consequence: missense variant. On other transcripts: intron variant (2).
Genome position (GRCh38, 1-based): chr5:83,541,395, G>A. VCF-style: chr5-83541395-G-A. GRCh37 (hg19) VCF-style: chr5-82837214-G-A.
Other names: c.5431G>A, p.Val1811Met (NM_001164097.2); c.4004-4142G>A (NM_001164098.2); c.1043-4142G>A (NM_001126336.3); c.8392G>A (NM_004385.4); short protein forms V1811M, V2798M.
Identifiers: ClinVar variation 1500264 (VCV001500264.10), dbSNP rs758186632, ClinGen allele CA3333799.
Genomic context (GRCh38, chr5:83,541,395, plus strand): 5'-CCCTATCTAAGTATTGCTACTACCCACCTTATGGATCAGAGTGTAACAGAGGTGCCTGAT[G>A]TGATGGAAGGATCCAATCCCCCATATTACACTGATACAACATTAGCAGTTTCAACATTTG-3'
Protein context (NP_004376.2, residues 2788-2808): MDQSVTEVPD[Val2798Met]MEGSNPPYYT